The following is an entry in ClinVar:

ClinVar aggregate classification (germline): Uncertain significance (1 of 4 stars; one submission).

Allele frequency attached by ClinVar (database versions not stated): gnomAD exomes below 0.00001; gnomAD 0.00001.

Submission:

Labcorp Genetics (formerly Invitae), Labcorp
Classification: Uncertain significance. Last evaluated: 2021-07-13. Review status: criteria provided, single submitter. Criteria: Invitae Variant Classification Sherloc (09022015). Collection method: clinical testing. Allele origin: germline.
Comment: This sequence change replaces isoleucine with valine at codon 55 of the MOCS2A protein (p.Ile55Val). The isoleucine residue is highly conserved and there is a small physicochemical difference between isoleucine and valine. This variant is not present in population databases (ExAC no frequency). This variant has not been reported in the literature in individuals affected with MOCS2A-related conditions. Algorithms developed to predict the effect of missense changes on protein structure and function output the following: SIFT: "Tolerated"; PolyPhen-2: "Benign"; Align-GVGD: "Class C15". The valine amino acid residue is found in multiple mammalian species, which suggests that this missense change does not adversely affect protein function. Algorithms developed to predict the effect of sequence changes on RNA splicing suggest that this variant may create or strengthen a splice site. In summary, the available evidence is currently insufficient to determine the role of this variant in disease. Therefore, it has been classified as a Variant of Uncertain Significance.

NM_176806.4(MOCS2):c.163A>G (p.Ile55Val)

Gene: MOCS2 (molybdenum cofactor synthesis 2; minus strand). Cytogenetic location: 5q11.2.
Variant type: single nucleotide variant.
Coding change: c.163A>G on transcript NM_176806.4 (MANE Plus Clinical); coding-DNA position 163, A replaced by G.
Protein change: p.Ile55Val; replaces isoleucine 55 with valine.
Molecular consequence: missense variant. On other transcripts: 5 prime UTR variant (1).
Genome position (GRCh38, 1-based): chr5:53,107,199, T>C on the plus strand (A>G on the coding strand, the complement: MOCS2 is on the minus strand). VCF-style: chr5-53107199-T-C. GRCh37 (hg19) VCF-style: chr5-52403029-T-C.
Other names: c.-25A>G (NM_004531.5); short protein forms I55V.
Identifiers: ClinVar variation 1391063 (VCV001391063.5), dbSNP rs1240805422, ClinGen allele CA359693914.
Genomic context (GRCh38, chr5:53,107,199, plus strand): 5'-GCTGAAGCACGAGGAGCTGATCTCCAAGCTCGACATATTCTTGACGAACAGCAAATATTA[T>C]CTGATTTCTAACATCAGCCAATCTAAAGGGGAAAAAATATGACTCAAAGTATCAACGCTA-3'
Protein context (NP_789776.1, residues 45-65): HPGLADVRNQ[Ile55Val]IFAVRQEYVE